The following is an entry in ClinVar:

ClinVar aggregate classification (germline): Conflicting classifications of pathogenicity. Review status: criteria provided, conflicting classifications (1 of 4 stars). 4 submissions from 4 submitters: Uncertain significance (2); Likely benign (1). 1 of the submissions does not count toward it. Last evaluated 2024-10-14.

Conditions:
Retinal dystrophy. Also called: Inherited retinal dystrophy. Identifiers: Orphanet 71862, MedGen C0854723, MeSH D058499, MONDO:0019118, HP:0000556.
Inborn genetic diseases. Identifiers: MedGen C0950123, MeSH D030342.

Allele frequency attached by ClinVar (database versions not stated): gnomAD exomes 0.00039 and 0.00054; TOPMed 0.00041; gnomAD 0.00046; ESP Exome Variant Server 0.00069.
gnomAD v4.1: 845 of 1,612,476 alleles (0.052%); highest among the groups gnomAD compares: Non-Finnish European, 0.069%; no homozygotes.

Submissions (4):

Blueprint Genetics
Classification: Likely benign. Last evaluated: 2024-10-14. Review status: criteria provided, single submitter. Criteria: ACMG Guidelines, 2015. Collection method: clinical testing. Allele origin: germline.

Ambry Genetics
Classification: Uncertain significance for Inborn genetic diseases. Last evaluated: 2024-06-26. Review status: criteria provided, single submitter. Criteria: Ambry Variant Classification Scheme 2023. Collection method: clinical testing. Allele origin: germline.

Labcorp Genetics (formerly Invitae), Labcorp
Classification: Uncertain significance. Last evaluated: 2022-11-01. Review status: criteria provided, single submitter. Criteria: Invitae Variant Classification Sherloc (09022015). Collection method: clinical testing. Allele origin: germline.
Comment: This sequence change replaces glutamic acid, which is acidic and polar, with aspartic acid, which is acidic and polar, at codon 203 of the TTLL5 protein (p.Glu203Asp). This variant is present in population databases (rs17856074, gnomAD 0.08%). This variant has not been reported in the literature in individuals affected with TTLL5-related conditions. ClinVar contains an entry for this variant (Variation ID: 862947). Advanced modeling of protein sequence and biophysical properties (such as structural, functional, and spatial information, amino acid conservation, physicochemical variation, residue mobility, and thermodynamic stability) performed at Invitae indicates that this missense variant is not expected to disrupt TTLL5 protein function. In summary, the available evidence is currently insufficient to determine the role of this variant in disease. Therefore, it has been classified as a Variant of Uncertain Significance.

Institute of Human Genetics, Univ. Regensburg, Univ. Regensburg
Classification: Uncertain significance for Retinal dystrophy. Last evaluated: 2022-01-01. Review status: no assertion criteria provided. Criteria: ACMG Guidelines, 2015. Collection method: clinical testing. Allele origin: germline. Affected: yes. Not counted in ClinVar's aggregate classification.

NM_015072.5(TTLL5):c.609G>C (p.Glu203Asp)

Gene: TTLL5 (tubulin tyrosine ligase like 5; plus strand). Cytogenetic location: 14q24.3.
Variant type: single nucleotide variant.
Coding change: c.609G>C on transcript NM_015072.5 (MANE Select); coding-DNA position 609, G replaced by C.
Protein change: p.Glu203Asp; replaces glutamic acid 203 with aspartic acid.
Molecular consequence: missense variant.
Genome position (GRCh38, 1-based): chr14:75,707,041, G>C. VCF-style: chr14-75707041-G-C. GRCh37 (hg19) VCF-style: chr14-76173384-G-C.
Other names: short protein forms E203D.
Identifiers: ClinVar variation 862947 (VCV000862947.7), dbSNP rs17856074, ClinGen allele CA7279003.